The following is an entry in ClinVar:

ClinVar aggregate classification (germline): Uncertain significance. Review status: criteria provided, multiple submitters, no conflicts (2 of 4 stars). 2 submissions from 2 submitters: Uncertain significance (2). Last evaluated 2024-07-09.

Allele frequency attached by ClinVar (database versions not stated): gnomAD 0.00001; gnomAD exomes 0.00001 and 0.00002; ExAC 0.00005.
gnomAD v4.1: 11 of 1,550,028 alleles (0.00071%); highest among the groups gnomAD compares: South Asian, 0.012%; no homozygotes.

Submissions (2):

Blueprint Genetics
Classification: Uncertain significance. Last evaluated: 2024-07-09. Review status: criteria provided, single submitter. Criteria: ACMG Guidelines, 2015. Collection method: clinical testing. Allele origin: germline.

Labcorp Genetics (formerly Invitae), Labcorp
Classification: Uncertain significance. Last evaluated: 2021-12-12. Review status: criteria provided, single submitter. Criteria: Invitae Variant Classification Sherloc (09022015). Collection method: clinical testing. Allele origin: germline.
Comment: This sequence change replaces serine, which is neutral and polar, with proline, which is neutral and non-polar, at codon 2643 of the EYS protein (p.Ser2643Pro). This variant is present in population databases (rs748043031, gnomAD 0.01%). This variant has not been reported in the literature in individuals affected with EYS-related conditions. Algorithms developed to predict the effect of missense changes on protein structure and function (SIFT, PolyPhen-2, Align-GVGD) all suggest that this variant is likely to be tolerated. In summary, the available evidence is currently insufficient to determine the role of this variant in disease. Therefore, it has been classified as a Variant of Uncertain Significance.

NM_001142800.2(EYS):c.7927T>C (p.Ser2643Pro)

Gene: EYS (EGF-like photoreceptor maintenance factor; minus strand). Cytogenetic location: 6q12.
Variant type: single nucleotide variant.
Coding change: c.7927T>C on transcript NM_001142800.2 (MANE Select); coding-DNA position 7927, T replaced by C.
Protein change: p.Ser2643Pro; replaces serine 2643 with proline.
Molecular consequence: missense variant.
Genome position (GRCh38, 1-based): chr6:63,762,605, A>G on the plus strand (T>C on the coding strand, the complement: EYS is on the minus strand). VCF-style: chr6-63762605-A-G. GRCh37 (hg19) VCF-style: chr6-64472498-A-G.
Other names: c.7927T>C, p.Ser2643Pro (NM_001292009.2); short protein forms S2643P.
Identifiers: ClinVar variation 1357309 (VCV001357309.4), dbSNP rs748043031, ClinGen allele CA3876755.
Genomic context (GRCh38, chr6:63,762,605, plus strand): 5'-TACAGTGGTGTGGAGGGTCATGTTCAGGATCACAGGTAGAAACTGTCTCTGTGCAGAATG[A>G]TCCTTTCCACCCAGTGGTACAATTGCAGCTGTGGGTTGAGAGAAAGCCGCATGGTTTGAG-3'
Protein context (NP_001136272.1, residues 2633-2653): YCNCTTGWKG[Ser2643Pro]FCTETVSTCD